The following is an entry in ClinVar:

NM_000751.3(CHRND):c.1255C>T (p.Arg419Trp)

Gene: CHRND (cholinergic receptor nicotinic delta subunit; plus strand). Cytogenetic location: 2q37.1.
Variant type: single nucleotide variant.
Coding change: c.1255C>T on transcript NM_000751.3 (MANE Select); coding-DNA position 1255, C replaced by T.
Protein change: p.Arg419Trp; replaces arginine 419 with tryptophan.
Molecular consequence: missense variant.
Genome position (GRCh38, 1-based): chr2:232,534,226, C>T. VCF-style: chr2-232534226-C-T. GRCh37 (hg19) VCF-style: chr2-233398936-C-T.
Other names: c.1210C>T, p.Arg404Trp (NM_001256657.2); c.673C>T, p.Arg225Trp (NM_001311195.2); c.1255C>T (NM_000751.1); c.952C>T, p.Arg318Trp (NM_001311196.2); short protein forms R225W, R318W, R419W, R404W.
Identifiers: ClinVar variation 1363137 (VCV001363137.10), dbSNP rs140455307, ClinGen allele CA2168316.
Genomic context (GRCh38, chr2:232,534,226, plus strand): 5'-CATCTGTGGGAGGTGGGTGGAGGCAGGCCTCACACCCACTCTGGCCCCTCGTCTGTAGGC[C>T]GGCCCCCAGCAAGCTCTGAGCAGGCCCAGCAGGAACTCTTCAATGAGCTGAAGCCAGCTG-3'
Protein context (NP_000742.1, residues 409-429): GLARRLTTAR[Arg419Trp]PPASSEQAQQ

ClinVar aggregate classification (germline): Uncertain significance. Review status: criteria provided, multiple submitters, no conflicts (2 of 4 stars). 3 submissions from 3 submitters: Uncertain significance (3). Last evaluated 2025-10-02.

Conditions:
Inborn genetic diseases. Identifiers: MedGen C0950123, MeSH D030342.
Lethal multiple pterygium syndrome (LMPS). Identifiers: Orphanet 33108, MedGen C1854678, MONDO:0009668, OMIM 253290.

Allele frequency attached by ClinVar (database versions not stated): ExAC 0.00002; gnomAD 0.00003; gnomAD exomes 0.00004 and 0.00009; TOPMed 0.00006; ESP Exome Variant Server 0.00023.

Submissions (3):

Labcorp Genetics (formerly Invitae), Labcorp
Classification: Uncertain significance for Lethal multiple pterygium syndrome. Last evaluated: 2025-10-02. Review status: criteria provided, single submitter. Criteria: Invitae Variant Classification Sherloc (09022015). Collection method: clinical testing. Allele origin: germline.
Comment: This sequence change replaces arginine, which is basic and polar, with tryptophan, which is neutral and slightly polar, at codon 419 of the CHRND protein (p.Arg419Trp). This variant is present in population databases (rs140455307, gnomAD 0.01%). This variant has not been reported in the literature in individuals affected with CHRND-related conditions. ClinVar contains an entry for this variant (Variation ID: 1363137). Invitae Evidence Modeling of protein sequence and biophysical properties (such as structural, functional, and spatial information, amino acid conservation, physicochemical variation, residue mobility, and thermodynamic stability) has been performed for this missense variant. However, the output from this modeling did not meet the statistical confidence thresholds required to predict the impact of this variant on CHRND protein function. In summary, the available evidence is currently insufficient to determine the role of this variant in disease. Therefore, it has been classified as a Variant of Uncertain Significance.

Blueprint Genetics
Classification: Uncertain significance. Last evaluated: 2024-03-05. Review status: criteria provided, single submitter. Criteria: ACMG Guidelines, 2015. Collection method: clinical testing. Allele origin: germline.

Ambry Genetics
Classification: Uncertain significance for Inborn genetic diseases. Last evaluated: 2022-09-26. Review status: criteria provided, single submitter. Criteria: Ambry Variant Classification Scheme 2023. Collection method: clinical testing. Allele origin: germline.